The following is an entry in ClinVar:

NM_000179.3(MSH6):c.1394C>T (p.Ala465Val)

Gene: MSH6 (mutS homolog 6; plus strand). Cytogenetic location: 2p16.3.
Variant type: single nucleotide variant.
Coding change: c.1394C>T on transcript NM_000179.3 (MANE Select); coding-DNA position 1394, C replaced by T.
Protein change: p.Ala465Val; replaces alanine 465 with valine.
Molecular consequence: missense variant.
Genome position (GRCh38, 1-based): chr2:47,799,377, C>T. VCF-style: chr2-47799377-C-T. GRCh37 (hg19) VCF-style: chr2-48026516-C-T.
Other names: c.1004C>T, p.Ala335Val (NM_001281492.2); c.488C>T, p.Ala163Val (NM_001281493.2, NM_001281494.2); short protein forms A465V, A163V, A335V.
Identifiers: ClinVar variation 455134 (VCV000455134.11), dbSNP rs1553412811, ClinGen allele CA346745135.

ClinVar aggregate classification (germline): Uncertain significance. Review status: criteria provided, multiple submitters, no conflicts (2 of 4 stars). 2 submissions from 2 submitters: Uncertain significance (2). Last evaluated 2025-10-07.

Conditions:
Hereditary nonpolyposis colorectal neoplasms. Identifiers: MedGen C0009405, MeSH D003123.
Hereditary cancer-predisposing syndrome. Also called: Hereditary Cancer Syndrome; Hereditary neoplastic syndrome; Neoplastic Syndromes, Hereditary; Tumor predisposition. Identifiers: Orphanet 140162, MedGen C0027672, MeSH D009386, MONDO:0015356.

Submissions (2):

Labcorp Genetics (formerly Invitae), Labcorp
Classification: Uncertain significance for Hereditary nonpolyposis colorectal neoplasms. Last evaluated: 2025-10-07. Review status: criteria provided, single submitter. Criteria: Invitae Variant Classification Sherloc (09022015). Collection method: clinical testing. Allele origin: germline.
Comment: This sequence change replaces alanine, which is neutral and non-polar, with valine, which is neutral and non-polar, at codon 465 of the MSH6 protein (p.Ala465Val). This variant is not present in population databases (gnomAD no frequency). This variant has not been reported in the literature in individuals affected with MSH6-related conditions. ClinVar contains an entry for this variant (Variation ID: 455134). Invitae Evidence Modeling of protein sequence and biophysical properties (such as structural, functional, and spatial information, amino acid conservation, physicochemical variation, residue mobility, and thermodynamic stability) indicates that this missense variant is not expected to disrupt MSH6 protein function with a negative predictive value of 95%. In summary, the available evidence is currently insufficient to determine the role of this variant in disease. Therefore, it has been classified as a Variant of Uncertain Significance.

Ambry Genetics
Classification: Uncertain significance for Hereditary cancer-predisposing syndrome. Last evaluated: 2016-01-08. Review status: criteria provided, single submitter. Criteria: Ambry Variant Classification Scheme 2023. Collection method: clinical testing. Allele origin: germline.
Comment: The p.A465V variant (also known as c.1394C>T), located in coding exon 4 of the MSH6 gene, results from a C to T substitution at nucleotide position 1394. The alanine at codon 465 is replaced by valine, an amino acid with similar properties. This variant was not reported in population based cohorts in the following databases: Database of Single Nucleotide Polymorphisms (dbSNP), NHLBI Exome Sequencing Project (ESP), and 1000 Genomes Project. In the ESP, this variant was not observed in 6503 samples (13006 alleles) with coverage at this position. To date, this alteration has been detected with an allele frequency of approximately 0.001% (greater than 115000 alleles tested) in our clinical cohort. This amino acid position is not well conserved in available vertebrate species. In addition, the in silico prediction for this alteration is inconclusive. Since supporting evidence is limited at this time, the clinical significance of p.A465V remains unclear.